The following is an entry in ClinVar:

ClinVar aggregate classification (germline): Uncertain significance (1 of 4 stars; one submission).

Allele frequency attached by ClinVar (database versions not stated): TOPMed below 0.00001.

Submission:

GeneDx
Classification: Uncertain significance. Last evaluated: 2022-12-19. Review status: criteria provided, single submitter. Criteria: GeneDx Variant Classification Process June 2021. Collection method: clinical testing. Allele origin: germline. Affected: yes.
Comment: Not observed at significant frequency in large population cohorts (gnomAD); In silico analysis supports that this missense variant does not alter protein structure/function; Has not been previously published as pathogenic or benign to our knowledge

NM_198503.5(KCNT2):c.1915T>A (p.Ser639Thr)

Gene: KCNT2 (potassium sodium-activated channel subfamily T member 2; minus strand). Cytogenetic location: 1q31.3.
Variant type: single nucleotide variant.
Coding change: c.1915T>A on transcript NM_198503.5 (MANE Select); coding-DNA position 1915, T replaced by A.
Protein change: p.Ser639Thr; replaces serine 639 with threonine.
Molecular consequence: missense variant. On other transcripts: non-coding transcript variant (2).
Genome position (GRCh38, 1-based): chr1:196,333,929, A>T on the plus strand (T>A on the coding strand, the complement: KCNT2 is on the minus strand). VCF-style: chr1-196333929-A-T. GRCh37 (hg19) VCF-style: chr1-196303059-A-T.
Other names: c.1915T>A, p.Ser639Thr (NM_001287819.3); c.1765T>A, p.Ser589Thr (NM_001287820.3); short protein forms S589T, S639T.
Identifiers: ClinVar variation 2505631 (VCV002505631.1), dbSNP rs1475392932, ClinGen allele CA343978206.